The following is an entry in ClinVar:

NM_000216.4(ANOS1):c.44G>A (p.Trp15Ter)

Gene: ANOS1 (anosmin 1; minus strand). Cytogenetic location: Xp22.31.
Variant type: single nucleotide variant.
Coding change: c.44G>A on transcript NM_000216.4 (MANE Select); coding-DNA position 44, G replaced by A.
Protein change: p.Trp15Ter; replaces tryptophan 15 with a stop codon.
Molecular consequence: nonsense.
Genome position (GRCh38, 1-based): chrX:8,731,993, C>T on the plus strand (G>A on the coding strand, the complement: ANOS1 is on the minus strand). VCF-style: chrX-8731993-C-T. GRCh37 (hg19) VCF-style: chrX-8700034-C-T.
Other names: c.44G>A, p.Trp15Ter (NM_001440775.1); short protein forms W15*.
Identifiers: ClinVar variation 4715760 (VCV004715760.1).

ClinVar aggregate classification (germline): Pathogenic (1 of 4 stars; one submission).

Conditions:
Hypogonadotropic hypogonadism 1 with or without anosmia (HH1). Also called: Kallmann syndrome, type 1, X-linked; DYSPLASIA OLFACTOGENITALIS OF DE MORSIER; HYPOGONADOTROPIC HYPOGONADISM 1 WITH ANOSMIA; KAL1-Related GnRH Deficiency (Kallmann Syndrome 1; Kallmann Syndrome, X-Linked); Hypogonadotropic hypogonadism 1 with or without anosmia (Kallmann syndrome 1); HYPOGONADOTROPIC HYPOGONADISM AND ANOSMIA. Identifiers: Orphanet 478, MedGen C1563719, MONDO:0010635, OMIM 308700. Disease mechanism: loss of function.

Submission:

Labcorp Genetics (formerly Invitae), Labcorp
Classification: Pathogenic for Hypogonadotropic hypogonadism 1 with or without anosmia. Last evaluated: 2025-03-23. Review status: criteria provided, single submitter. Criteria: Invitae Variant Classification Sherloc (09022015). Collection method: clinical testing. Allele origin: germline.
Comment: This sequence change creates a premature translational stop signal (p.Trp15*) in the ANOS1 gene. It is expected to result in an absent or disrupted protein product. Loss-of-function variants in ANOS1 are known to be pathogenic (PMID: 8504298, 11297579). This variant is not present in population databases (gnomAD no frequency). This variant has not been reported in the literature in individuals affected with ANOS1-related conditions. For these reasons, this variant has been classified as Pathogenic.

Literature cited by the submitters: PubMed 8504298; PubMed 11297579.